The following is an entry in ClinVar:

NM_001291303.3(FAT4):c.10399A>T (p.Thr3467Ser)

Gene: FAT4 (FAT atypical cadherin 4; plus strand). Cytogenetic location: 4q28.1.
Variant type: single nucleotide variant.
Coding change: c.10399A>T on transcript NM_001291303.3 (MANE Select); coding-DNA position 10399, A replaced by T.
Protein change: p.Thr3467Ser; replaces threonine 3467 with serine.
Molecular consequence: missense variant.
Genome position (GRCh38, 1-based): chr4:125,451,409, A>T. VCF-style: chr4-125451409-A-T. GRCh37 (hg19) VCF-style: chr4-126372564-A-T.
Other names: c.10399A>T, p.Thr3467Ser (NM_001291285.3); c.10393A>T, p.Thr3465Ser (NM_024582.6); short protein forms T3465S, T3467S.
Identifiers: ClinVar variation 2092087 (VCV002092087.4), dbSNP rs2530910441, ClinGen allele CA358158464.

ClinVar aggregate classification (germline): Uncertain significance (1 of 4 stars; one submission).

Allele frequency attached by ClinVar (database versions not stated): gnomAD exomes below 0.00001.
gnomAD v4.1: 1 of 1,614,166 alleles (0.000062%); highest among the groups gnomAD compares: Non-Finnish European, 0.000085%; no homozygotes.

Submission:

Labcorp Genetics (formerly Invitae), Labcorp
Classification: Uncertain significance. Last evaluated: 2022-02-08. Review status: criteria provided, single submitter. Criteria: Invitae Variant Classification Sherloc (09022015). Collection method: clinical testing. Allele origin: germline.
Comment: This variant is not present in population databases (gnomAD no frequency). Advanced modeling of protein sequence and biophysical properties (such as structural, functional, and spatial information, amino acid conservation, physicochemical variation, residue mobility, and thermodynamic stability) performed at Invitae indicates that this missense variant is not expected to disrupt FAT4 protein function. This variant has not been reported in the literature in individuals affected with FAT4-related conditions. This sequence change replaces threonine, which is neutral and polar, with serine, which is neutral and polar, at codon 3465 of the FAT4 protein (p.Thr3465Ser). In summary, the available evidence is currently insufficient to determine the role of this variant in disease. Therefore, it has been classified as a Variant of Uncertain Significance.